The following is an entry in ClinVar:

ClinVar aggregate classification (germline): Uncertain significance (1 of 4 stars; one submission).

Conditions:
Autosomal recessive spastic paraplegia type 78. Identifiers: Orphanet 513436, MedGen C5567893, MONDO:0014975, OMIM 617225.
Kufor-Rakeb syndrome (KRS). Also called: PARKINSON DISEASE 9, AUTOSOMAL RECESSIVE, JUVENILE-ONSET. Identifiers: Orphanet 306674, Orphanet 314632, MedGen C1847640, MONDO:0011706, OMIM 606693.

Allele frequency attached by ClinVar (database versions not stated): ExAC 0.00001; gnomAD 0.00001; gnomAD exomes 0.00002.
gnomAD v4.1: 52 of 1,612,748 alleles (0.0032%); highest among the groups gnomAD compares: South Asian, 0.0099%; no homozygotes.

Submission:

Labcorp Genetics (formerly Invitae), Labcorp
Classification: Uncertain significance for Kufor-Rakeb syndrome; Autosomal recessive spastic paraplegia type 78. Last evaluated: 2021-10-21. Review status: criteria provided, single submitter. Criteria: Invitae Variant Classification Sherloc (09022015). Collection method: clinical testing. Allele origin: germline.
Comment: In summary, the available evidence is currently insufficient to determine the role of this variant in disease. Therefore, it has been classified as a Variant of Uncertain Significance. Advanced modeling of protein sequence and biophysical properties (such as structural, functional, and spatial information, amino acid conservation, physicochemical variation, residue mobility, and thermodynamic stability) performed at Invitae indicates that this missense variant is expected to disrupt ATP13A2 protein function. This variant has not been reported in the literature in individuals affected with ATP13A2-related conditions. This variant is present in population databases (rs769622260, ExAC 0.006%). This sequence change replaces arginine with histidine at codon 636 of the ATP13A2 protein (p.Arg636His). The arginine residue is highly conserved and there is a small physicochemical difference between arginine and histidine.

NM_022089.4(ATP13A2):c.1907G>A (p.Arg636His)

Gene: ATP13A2 (ATPase cation transporting 13A2; minus strand). Cytogenetic location: 1p36.13.
Variant type: single nucleotide variant.
Coding change: c.1907G>A on transcript NM_022089.4 (MANE Select); coding-DNA position 1907, G replaced by A.
Protein change: p.Arg636His; replaces arginine 636 with histidine.
Molecular consequence: missense variant.
Genome position (GRCh38, 1-based): chr1:16,992,341, C>T on the plus strand (G>A on the coding strand, the complement: ATP13A2 is on the minus strand). VCF-style: chr1-16992341-C-T. GRCh37 (hg19) VCF-style: chr1-17318836-C-T.
Other names: c.1892G>A, p.Arg631His (NM_001141973.3, NM_001141974.3); short protein forms R636H, R631H.
Identifiers: ClinVar variation 1408461 (VCV001408461.6), dbSNP rs769622260, ClinGen allele CA637036.
Genomic context (GRCh38, chr1:16,992,341, plus strand): 5'-GAGCCTTTGACGTAGGCCTCGGGCTGAGTGGCCCCTGGCCACGCCACCACCACACTCATG[C>T]GCTGCAGAGCCGAAGAGAAGGGGAAGCGGTGGAGGACGCTGACTGGCACCGGGGGCTCCT-3'
Protein context (NP_071372.1, residues 626-646): HRFPFSSALQ[Arg636His]MSVVVAWPGA